The following is an entry in ClinVar:

NM_138711.6(PPARG):c.7G>A (p.Asp3Asn)

Gene: PPARG (peroxisome proliferator activated receptor gamma; plus strand). Cytogenetic location: 3p25.2.
Variant type: single nucleotide variant.
Coding change: c.7G>A on transcript NM_138711.6 (MANE Select); coding-DNA position 7, G replaced by A.
Protein change: p.Asp3Asn; replaces aspartic acid 3 with asparagine.
Molecular consequence: missense variant. On other transcripts: 5 prime UTR variant (1).
Genome position (GRCh38, 1-based): chr3:12,379,718, G>A. VCF-style: chr3-12379718-G-A. GRCh37 (hg19) VCF-style: chr3-12421217-G-A.
Other names: c.7G>A, p.Asp3Asn (NM_001330615.4, NM_001354666.3, NM_001354667.3 and 6 more transcripts); c.97G>A, p.Asp33Asn (NM_001354668.2, NM_001374265.1, NM_015869.5); c.-421G>A (NM_001354669.2); c.13G>A, p.Asp5Asn (NM_001354670.2, NM_001374266.1); short protein forms D33N, D3N, D5N.
Identifiers: ClinVar variation 3356831 (VCV003356831.1).

ClinVar aggregate classification (germline): Uncertain significance (0 of 4 stars; one submission).

Conditions:
PPARG-related disorder. Also called: PPARG-related disorders; PPARG-related condition.

gnomAD v4.1: 4 of 1,613,798 alleles (0.00025%); highest among the groups gnomAD compares: Middle Eastern, 0.016%; no homozygotes.

Submission:

PreventionGenetics, part of Exact Sciences
Classification: Uncertain significance for PPARG-related condition. Last evaluated: 2024-08-05. Review status: no assertion criteria provided. Collection method: clinical testing. Allele origin: germline.
Comment: The PPARG c.97G>A variant is predicted to result in the amino acid substitution p.Asp33Asn. To our knowledge, this variant has not been reported in the literature. This variant is reported in 0.00088% of alleles in individuals of European (Non-Finnish) descent in gnomAD. At this time, the clinical significance of this variant is uncertain due to the absence of conclusive functional and genetic evidence.